The following is an entry in ClinVar:

NM_173477.5(USH1G):c.*1303C>T

Gene: USH1G (USH1 protein network component sans; minus strand). Cytogenetic location: 17q25.1.
Variant type: single nucleotide variant.
Coding change: c.*1303C>T on transcript NM_173477.5 (MANE Select); 1303 bases downstream of the stop codon, C replaced by T.
Molecular consequence: 3 prime UTR variant.
Genome position (GRCh38, 1-based): chr17:74,916,770, G>A on the plus strand (C>T on the coding strand, the complement: USH1G is on the minus strand). VCF-style: chr17-74916770-G-A. GRCh37 (hg19) VCF-style: chr17-72912862-G-A.
Other names: c.*1303C>T (NM_001282489.3).
Identifiers: ClinVar variation 325034 (VCV000325034.6), dbSNP rs1013013, ClinGen allele CA10650073.
Genomic context (GRCh38, chr17:74,916,770, plus strand): 5'-ATGCTGTGACCACCCTCTGAGCTGGCCTTTCCCCTGGTCTCACCACCATCAGAGGGCTGG[G>A]ACACAGGTGAGCTCTCTTACCCCCGATCCACGCAGAATCACGCAACAGCCCAGTCCCTAC-3'

ClinVar aggregate classification (germline): Likely benign. Review status: criteria provided, multiple submitters, no conflicts (2 of 4 stars). 2 submissions from 2 submitters: Likely benign (2). Last evaluated 2017-04-27.

Conditions:
Usher syndrome type 1G. Also called: USHER SYNDROME, TYPE IG, MILD. Identifiers: Orphanet 231169, Orphanet 886, MedGen C1847089, MONDO:0011748, OMIM 606943.

Allele frequency attached by ClinVar (database versions not stated): TOPMed 0.19850; 1000 Genomes Project 0.20367; gnomAD 0.20471 and 0.20603; 1000 Genomes Project 30x 0.20534; gnomAD exomes 0.25893.

Submissions (2):

Illumina Laboratory Services, Illumina
Classification: Likely benign for Usher syndrome type 1G. Last evaluated: 2017-04-27. Review status: criteria provided, single submitter. Criteria: ICSL Variant Classification Criteria 13 December 2019. Collection method: clinical testing. Allele origin: germline.
Comment: This variant was observed as part of a predisposition screen in an ostensibly healthy population. A literature search was performed for the gene, cDNA change, and amino acid change (where applicable). No publications were found based on this search. Allele frequency data from public databases allowed determination this variant is unlikely to cause disease. Therefore, this variant is classified as likely benign.

Breakthrough Genomics
Classification: Likely benign. Review status: criteria provided, single submitter. Criteria: ACMG Guidelines, 2015. Collection method: not provided. Allele origin: germline. Inheritance: Autosomal recessive inheritance. Affected: yes.